The following is an entry in ClinVar:

ClinVar aggregate classification (germline): Uncertain significance (1 of 4 stars; one submission).

gnomAD v4.1: 1 of 1,611,552 alleles (0.000062%); highest among the groups gnomAD compares: East Asian, 0.0022%; no homozygotes.

Submission:

Ambry Genetics
Classification: Uncertain significance. Last evaluated: 2025-08-31. Review status: criteria provided, single submitter. Criteria: Ambry Variant Classification Scheme 2023. Collection method: clinical testing. Allele origin: germline.
Comment: The p.T289N variant (also known as c.866C>A), located in coding exon 9 of the SRP72 gene, results from a C to A substitution at nucleotide position 866. The threonine at codon 289 is replaced by asparagine, an amino acid with similar properties. This amino acid position is conserved. In addition, the in silico prediction for this alteration is inconclusive. Based on the available evidence, the clinical significance of this variant remains unclear.

NM_006947.4(SRP72):c.866C>A (p.Thr289Asn)

Gene: SRP72 (signal recognition particle 72; plus strand). Cytogenetic location: 4q12.
Variant type: single nucleotide variant.
Coding change: c.866C>A on transcript NM_006947.4 (MANE Select); coding-DNA position 866, C replaced by A.
Protein change: p.Thr289Asn; replaces threonine 289 with asparagine.
Molecular consequence: missense variant. On other transcripts: non-coding transcript variant (1).
Genome position (GRCh38, 1-based): chr4:56,483,179, C>A. VCF-style: chr4-56483179-C-A. GRCh37 (hg19) VCF-style: chr4-57349345-C-A.
Other names: c.683C>A, p.Thr228Asn (NM_001267722.2); short protein forms T228N, T289N.
Identifiers: ClinVar variation 4174980 (VCV004174980.1).